The following is an entry in ClinVar:

NM_000503.6(EYA1):c.1198A>G (p.Ser400Gly)

Gene: EYA1 (EYA transcriptional coactivator and phosphatase 1; minus strand). Cytogenetic location: 8q13.3.
Variant type: single nucleotide variant.
Coding change: c.1198A>G on transcript NM_000503.6 (MANE Select); coding-DNA position 1198, A replaced by G.
Protein change: p.Ser400Gly; replaces serine 400 with glycine.
Molecular consequence: missense variant.
Genome position (GRCh38, 1-based): chr8:71,216,966, T>C on the plus strand (A>G on the coding strand, the complement: EYA1 is on the minus strand). VCF-style: chr8-71216966-T-C. GRCh37 (hg19) VCF-style: chr8-72129201-T-C.
Other names: p.Ser400Gly; c.1180A>G, p.Ser394Gly (NM_001288574.2, NM_172059.5); c.832A>G, p.Ser278Gly (NM_001288575.2); c.1285A>G, p.Ser429Gly (NM_001370333.1); c.1198A>G, p.Ser400Gly (NM_001370334.1, NM_001370335.1, NM_172058.4); c.1177A>G, p.Ser393Gly (NM_001370336.1); short protein forms S400G, S278G, S393G, S429G, S394G.
Identifiers: ClinVar variation 1406078 (VCV001406078.8), dbSNP rs1809290834, ClinGen allele CA371466928.

ClinVar aggregate classification (germline): Uncertain significance. Review status: criteria provided, multiple submitters, no conflicts (2 of 4 stars). 3 submissions from 3 submitters: Uncertain significance (3). Last evaluated 2025-01-12.

Conditions:
Melnick-Fraser syndrome (BOR). Also called: Branchiootorenal Syndrome (BORS); Branchiootorenal syndrome; Branchio-oto-renal syndrome. Identifiers: Orphanet 107, MedGen C0265234, MONDO:0007029.
Branchiootorenal syndrome 1. Also called: Branchio-Oto-Renal Syndrome 1. Identifiers: Orphanet 107, MedGen C4551702, MONDO:0007236, OMIM 113650.
Branchiootic syndrome 1 (BOS1). Also called: BO SYNDROME 1; BRANCHIOOTIC DYSPLASIA. Identifiers: MedGen C1865143, MONDO:0011258, OMIM 602588.
Otofaciocervical syndrome 1 (OTFCS). Identifiers: MedGen C3714941, MONDO:0024532, OMIM 166780.

Allele frequency attached by ClinVar (database versions not stated): gnomAD exomes below 0.00001.
gnomAD v4.1: 2 of 1,613,492 alleles (0.00012%); highest among the groups gnomAD compares: East Asian, 0.0022%; no homozygotes.

Submissions (3):

Mayo Clinic Laboratories, Mayo Clinic
Classification: Uncertain significance. Last evaluated: 2025-01-12. Review status: criteria provided, single submitter. Criteria: ACMG Guidelines, 2015. Collection method: clinical testing. Allele origin: germline. Observed: 1 variant allele.
Comment: PM2_supporting

Fulgent Genetics
Classification: Uncertain significance for Branchiootorenal syndrome 1; Otofaciocervical syndrome 1; Branchiootic syndrome 1. Last evaluated: 2024-02-01. Review status: criteria provided, single submitter. Criteria: ACMG Guidelines, 2015. Collection method: clinical testing. Allele origin: germline.

Labcorp Genetics (formerly Invitae), Labcorp
Classification: Uncertain significance for Melnick-Fraser syndrome. Last evaluated: 2021-10-21. Review status: criteria provided, single submitter. Criteria: Invitae Variant Classification Sherloc (09022015). Collection method: clinical testing. Allele origin: germline.
Comment: This sequence change replaces serine with glycine at codon 400 of the EYA1 protein (p.Ser400Gly). The serine residue is highly conserved and there is a small physicochemical difference between serine and glycine. This variant is not present in population databases (ExAC no frequency). This variant has not been reported in the literature in individuals with EYA1-related conditions. Algorithms developed to predict the effect of missense changes on protein structure and function are either unavailable or do not agree on the potential impact of this missense change (SIFT: "Deleterious"; PolyPhen-2: "Possibly Damaging"; Align-GVGD: "Class C0"). Algorithms developed to predict the effect of sequence changes on RNA splicing suggest that this variant may disrupt the consensus splice site, but this prediction has not been confirmed by published transcriptional studies. In summary, the available evidence is currently insufficient to determine the role of this variant in disease. Therefore, it has been classified as a Variant of Uncertain Significance.

Literature cited by the submitters: PubMed 35982159 (cited by Mayo Clinic Laboratories, Mayo Clinic).